The following is an entry in ClinVar:

NM_174936.4(PCSK9):c.1247T>C (p.Ile416Thr)

Gene: PCSK9 (proprotein convertase subtilisin/kexin type 9; plus strand). Cytogenetic location: 1p32.3.
Variant type: single nucleotide variant.
Coding change: c.1247T>C on transcript NM_174936.4 (MANE Select); coding-DNA position 1247, T replaced by C.
Protein change: p.Ile416Thr; replaces isoleucine 416 with threonine.
Molecular consequence: missense variant.
Genome position (GRCh38, 1-based): chr1:55,058,102, T>C. VCF-style: chr1-55058102-T-C. GRCh37 (hg19) VCF-style: chr1-55523775-T-C.
Other names: c.1370T>C, p.Ile457Thr (NM_001407240.1); c.1247T>C, p.Ile416Thr (NM_001407241.1); c.1250T>C, p.Ile417Thr (NM_001407242.1); c.1190T>C, p.Ile397Thr (NM_001407243.1); c.1055T>C, p.Ile352Thr (NM_001407245.1); c.872T>C, p.Ile291Thr (NM_001407246.1); short protein forms I416T, I417T, I397T, I291T, I352T, I457T.
Identifiers: ClinVar variation 627922 (VCV000627922.9), dbSNP rs1343534206, ClinGen allele CA340477193.

ClinVar aggregate classification (germline): Uncertain significance. Review status: criteria provided, multiple submitters, no conflicts (2 of 4 stars). 2 submissions from 2 submitters: Uncertain significance (2). Last evaluated 2025-07-13.

Conditions:
Cardiovascular phenotype. Identifiers: MedGen CN230736.
Familial hypercholesterolemia. Also called: Familial hypercholesterolaemia. Identifiers: MedGen C0020445, MONDO:0005439.

Allele frequency attached by ClinVar (database versions not stated): gnomAD 0.00001; gnomAD exomes 0.00001; TOPMed 0.00001.
gnomAD v4.1: 21 of 1,613,538 alleles (0.0013%); highest among the groups gnomAD compares: Non-Finnish European, 0.0016%; no homozygotes.

Submissions (2):

Ambry Genetics
Classification: Uncertain significance for Cardiovascular phenotype. Last evaluated: 2025-07-13. Review status: criteria provided, single submitter. Criteria: Ambry Variant Classification Scheme 2023. Collection method: clinical testing. Allele origin: germline.
Comment: The p.I416T variant (also known as c.1247T>C), located in coding exon 8 of the PCSK9 gene, results from a T to C substitution at nucleotide position 1247. The isoleucine at codon 416 is replaced by threonine, an amino acid with similar properties. This amino acid position is conserved. In addition, the in silico prediction for this alteration is inconclusive. Based on the available evidence, the clinical significance of this variant remains unclear.

Color Diagnostics, LLC DBA Color Health
Classification: Uncertain significance for Familial hypercholesterolemia. Last evaluated: 2023-12-05. Review status: criteria provided, single submitter. Criteria: ACMG Guidelines, 2015. Collection method: clinical testing. Allele origin: germline.
Comment: Variant of Uncertain Significance due to insufficient evidence: This variant is a missense variant located in the catalytic peptidase domain of the PCSK9 protein. Computational prediction tools and conservation analyses are inconclusive regarding the impact of this variant on the protein function. Computational splicing tools suggest that this variant may not impact the RNA splicing. This variant is rare in the general population and has been identified in 2/246074 chromosomes by the Genome Aggregation Database (gnomAD). To our knowledge, functional assays have not been performed for this variant nor has the variant been reported in individuals affected with FH in the literature. Available evidence is insufficient to determine the pathogenicity of this variant conclusively.